The following is an entry in ClinVar:

ClinVar aggregate classification (germline): not provided (0 of 4 stars; one submission).

Allele frequency attached by ClinVar (database versions not stated): gnomAD exomes 0.00002.
gnomAD v4.1: 21 of 1,371,392 alleles (0.0015%); highest among the groups gnomAD compares: Non-Finnish European, 0.002%; no homozygotes.

Submission:

Cardiovascular Biomedical Research Unit, Royal Brompton & Harefield NHS Foundation Trust
No classification provided. Review status: no classification provided. Collection method: literature only. Allele origin: germline.
Comment: This variant has been reported in the following publications (PMID:14661677;PMID:19841300).

Literature cited by the submitters: PubMed 14661677; PubMed 19841300; PubMed 22581653.

NM_000238.4(KCNH2):c.762C>G (p.His254Gln)

Gene: KCNH2 (potassium voltage-gated channel subfamily H member 2; minus strand). Cytogenetic location: 7q36.1.
Variant type: single nucleotide variant.
Coding change: c.762C>G on transcript NM_000238.4 (MANE Select); coding-DNA position 762, C replaced by G.
Protein change: p.His254Gln; replaces histidine 254 with glutamine.
Molecular consequence: missense variant.
Genome position (GRCh38, 1-based): chr7:150,958,213, G>C on the plus strand (C>G on the coding strand, the complement: KCNH2 is on the minus strand). VCF-style: chr7-150958213-G-C. GRCh37 (hg19) VCF-style: chr7-150655301-G-C.
Other names: c.762C>G (LRG_288t1); c.474C>G, p.His158Gln (NM_001406753.1, NM_001406756.1); c.585C>G, p.His195Gln (NM_001406755.1); c.462C>G, p.His154Gln (NM_001406757.1); c.762C>G, p.His254Gln (NM_172056.3); short protein forms H254Q, H154Q, H158Q, H195Q.
Identifiers: ClinVar variation 67525 (VCV000067525.3), dbSNP rs199473502, ClinGen allele CA008780.